The following is an entry in ClinVar:

ClinVar aggregate classification (germline): Uncertain significance (1 of 4 stars; one submission).

Submission:

Labcorp Genetics (formerly Invitae), Labcorp
Classification: Uncertain significance. Last evaluated: 2025-01-08. Review status: criteria provided, single submitter. Criteria: Invitae Variant Classification Sherloc (09022015). Collection method: clinical testing. Allele origin: germline.
Comment: This sequence change replaces aspartic acid, which is acidic and polar, with glycine, which is neutral and non-polar, at codon 155 of the DDX59 protein (p.Asp155Gly). This variant is not present in population databases (gnomAD no frequency). This variant has not been reported in the literature in individuals affected with DDX59-related conditions. Invitae Evidence Modeling of protein sequence and biophysical properties (such as structural, functional, and spatial information, amino acid conservation, physicochemical variation, residue mobility, and thermodynamic stability) indicates that this missense variant is not expected to disrupt DDX59 protein function with a negative predictive value of 80%. In summary, the available evidence is currently insufficient to determine the role of this variant in disease. Therefore, it has been classified as a Variant of Uncertain Significance.

NM_001031725.6(DDX59):c.464A>G (p.Asp155Gly)

Gene: DDX59 (DEAD-box helicase 59; minus strand). Cytogenetic location: 1q32.1.
Variant type: single nucleotide variant.
Coding change: c.464A>G on transcript NM_001031725.6 (MANE Select); coding-DNA position 464, A replaced by G.
Protein change: p.Asp155Gly; replaces aspartic acid 155 with glycine.
Molecular consequence: missense variant.
Genome position (GRCh38, 1-based): chr1:200,666,277, T>C on the plus strand (A>G on the coding strand, the complement: DDX59 is on the minus strand). VCF-style: chr1-200666277-T-C. GRCh37 (hg19) VCF-style: chr1-200635405-T-C.
Other names: c.464A>G, p.Asp155Gly (NM_001320181.2, NM_001320182.1, NM_001349799.3 and 5 more transcripts); short protein forms D155G.
Identifiers: ClinVar variation 3705839 (VCV003705839.2).
Genomic context (GRCh38, chr1:200,666,277, plus strand): 5'-AAAATAAAGGGGTGCTCTTTGTAGACATAGGAAGCATTCAGTGGAGACTCTGGCTCAGAA[T>C]CAGCCTTCTGTGGATTGCTGAGTTTTGATTTCTCTTCCTTTTCCTTAACTTGTAGAAGAT-3'
Protein context (NP_001026895.2, residues 145-165): KSKLSNPQKA[Asp155Gly]SEPESPLNAS